The following is an entry in ClinVar:

NM_006343.3(MERTK):c.2720C>T (p.Thr907Ile)

Gene: MERTK (MER proto-oncogene, tyrosine kinase; plus strand). Cytogenetic location: 2q13.
Variant type: single nucleotide variant.
Coding change: c.2720C>T on transcript NM_006343.3 (MANE Select); coding-DNA position 2720, C replaced by T.
Protein change: p.Thr907Ile; replaces threonine 907 with isoleucine.
Molecular consequence: missense variant.
Genome position (GRCh38, 1-based): chr2:112,028,584, C>T. VCF-style: chr2-112028584-C-T. GRCh37 (hg19) VCF-style: chr2-112786161-C-T.
Other names: short protein forms T907I.
Identifiers: ClinVar variation 954520 (VCV000954520.10), dbSNP rs202205484, ClinGen allele CA1831954.
Genomic context (GRCh38, chr2:112,028,584, plus strand): 5'-GCTCCACCCTTGCTCCACTGGACTTGAACATCGACCCTGACTCTATAATTGCCTCCTGCA[C>T]TCCCCGCGCTGCCATCAGTGTGGTCACAGCAGAAGTTCATGACAGCAAACCTCATGAAGG-3'
Protein context (NP_006334.2, residues 897-917): IDPDSIIASC[Thr907Ile]PRAAISVVTA

ClinVar aggregate classification (germline): Uncertain significance (1 of 4 stars; one submission).

Allele frequency attached by ClinVar (database versions not stated): gnomAD exomes below 0.00001 and 0.00001; ExAC 0.00001; gnomAD 0.00002 and 0.00003; TOPMed 0.00002; 1000 Genomes Project 30x 0.00016; 1000 Genomes Project 0.00020.
gnomAD v4.1: 8 of 1,614,226 alleles (0.0005%); highest among the groups gnomAD compares: African/African-American, 0.0067%; no homozygotes.

Submission:

Labcorp Genetics (formerly Invitae), Labcorp
Classification: Uncertain significance. Last evaluated: 2023-07-10. Review status: criteria provided, single submitter. Criteria: Invitae Variant Classification Sherloc (09022015). Collection method: clinical testing. Allele origin: germline.
Comment: Algorithms developed to predict the effect of missense changes on protein structure and function output the following: SIFT: "Not Available"; PolyPhen-2: "Benign"; Align-GVGD: "Not Available". The isoleucine amino acid residue is found in multiple mammalian species, which suggests that this missense change does not adversely affect protein function. ClinVar contains an entry for this variant (Variation ID: 954520). This variant has not been reported in the literature in individuals affected with MERTK-related conditions. This variant is present in population databases (rs202205484, gnomAD 0.008%). This sequence change replaces threonine, which is neutral and polar, with isoleucine, which is neutral and non-polar, at codon 907 of the MERTK protein (p.Thr907Ile). In summary, the available evidence is currently insufficient to determine the role of this variant in disease. Therefore, it has been classified as a Variant of Uncertain Significance.